The following is an entry in ClinVar:

NM_017433.5(MYO3A):c.3028G>A (p.Glu1010Lys)

Gene: MYO3A (myosin IIIA; plus strand). Cytogenetic location: 10p12.1.
Variant type: single nucleotide variant.
Coding change: c.3028G>A on transcript NM_017433.5 (MANE Select); coding-DNA position 3028, G replaced by A.
Protein change: p.Glu1010Lys; replaces glutamic acid 1010 with lysine.
Molecular consequence: missense variant.
Genome position (GRCh38, 1-based): chr10:26,166,095, G>A. VCF-style: chr10-26166095-G-A. GRCh37 (hg19) VCF-style: chr10-26455024-G-A.
Other names: short protein forms E1010K.
Identifiers: ClinVar variation 178466 (VCV000178466.19), dbSNP rs61729833, ClinGen allele CA182386.
Genomic context (GRCh38, chr10:26,166,095, plus strand): 5'-CAATACTAACCAGCCCTTTTTTCCATTCCAAGGTACTACCTTCTCTGCTACAAGTCGAGC[G>A]AGGAGCCCCGCATGAGCCCTGACACCTGTGCCACCATTTTGGAAAAAGCTGGTCTCGATA-3'
Protein context (NP_059129.3, residues 1000-1020): RYYLLCYKSS[Glu1010Lys]EPRMSPDTCA

ClinVar aggregate classification (germline): Conflicting classifications of pathogenicity. Review status: criteria provided, conflicting classifications (1 of 4 stars). 6 submissions from 6 submitters: Uncertain significance (1); Benign (3); Likely benign (2). Last evaluated 2026-02-01.

Conditions:
Autosomal recessive nonsyndromic hearing loss 30. Identifiers: Orphanet 90636, MedGen C1846784, MONDO:0011774, OMIM 607101.

Allele frequency attached by ClinVar (database versions not stated): gnomAD exomes 0.00112 and 0.00247; ExAC 0.00305; gnomAD 0.00921 and 0.00965; ESP Exome Variant Server 0.01061; TOPMed 0.01068; 1000 Genomes Project 0.01198; 1000 Genomes Project 30x 0.01483.
gnomAD v4.1: 3,133 of 1,614,100 alleles (0.19%); highest among the groups gnomAD compares: African/African-American, 3.2%; 40 homozygotes.

Submissions (6):

Labcorp Genetics (formerly Invitae), Labcorp
Classification: Benign. Last evaluated: 2026-02-01. Review status: criteria provided, single submitter. Criteria: Invitae Variant Classification Sherloc (09022015). Collection method: clinical testing. Allele origin: germline.

Blueprint Genetics
Classification: Likely benign. Last evaluated: 2024-11-25. Review status: criteria provided, single submitter. Criteria: ACMG Guidelines, 2015. Collection method: clinical testing. Allele origin: germline.

Athena Diagnostics
Classification: Likely benign. Last evaluated: 2018-05-25. Review status: criteria provided, single submitter. Criteria: Athena Diagnostics Criteria. Collection method: clinical testing. Allele origin: germline.

GeneDx
Classification: Benign. Last evaluated: 2018-01-18. Review status: criteria provided, single submitter. Criteria: GeneDx Variant Classification (06012015). Collection method: clinical testing. Allele origin: germline. Affected: yes.
Comment: This variant is considered likely benign or benign based on one or more of the following criteria: it is a conservative change, it occurs at a poorly conserved position in the protein, it is predicted to be benign by multiple in silico algorithms, and/or has population frequency not consistent with disease.

Illumina Laboratory Services, Illumina
Classification: Uncertain significance for Autosomal recessive nonsyndromic hearing loss 30. Last evaluated: 2018-01-12. Review status: criteria provided, single submitter. Criteria: ICSL Variant Classification Criteria 13 December 2019. Collection method: clinical testing. Allele origin: germline.

Laboratory for Molecular Medicine, Mass General Brigham Personalized Medicine
Classification: Benign. Last evaluated: 2012-04-30. Review status: criteria provided, single submitter. Criteria: LMM Criteria. Collection method: clinical testing. Allele origin: germline. Observed: 7 variant alleles.
Comment: Glu1010Lys in Exon 27 of MYO3A: This variant is not expected to have clinical si gnificance because it has been identified in 2.9% (109/3738) of African American chromosomes from a broad population by the NHLBI Exome Sequencing Project (dbSNP rs61729833).